The following is an entry in ClinVar:

ClinVar aggregate classification (germline): Uncertain significance (1 of 4 stars; one submission).

gnomAD v4.1: 2 of 1,479,698 alleles (0.00014%); highest among the groups gnomAD compares: Non-Finnish European, 0.00018%; no homozygotes.

Submission:

Labcorp Genetics (formerly Invitae), Labcorp
Classification: Uncertain significance. Last evaluated: 2025-09-07. Review status: criteria provided, single submitter. Criteria: Invitae Variant Classification Sherloc (09022015). Collection method: clinical testing. Allele origin: germline.
Comment: This sequence change replaces alanine, which is neutral and non-polar, with serine, which is neutral and polar, at codon 245 of the IRF2BP2 protein (p.Ala245Ser). This variant is not present in population databases (gnomAD no frequency). This variant has not been reported in the literature in individuals affected with IRF2BP2-related conditions. An algorithm developed to predict the effect of missense changes on protein structure and function (PolyPhen-2) suggests that this variant is likely to be tolerated. In summary, the available evidence is currently insufficient to determine the role of this variant in disease. Therefore, it has been classified as a Variant of Uncertain Significance.

NM_182972.3(IRF2BP2):c.733G>T (p.Ala245Ser)

Gene: IRF2BP2 (interferon regulatory factor 2 binding protein 2; minus strand). Cytogenetic location: 1q42.3.
Variant type: single nucleotide variant.
Coding change: c.733G>T on transcript NM_182972.3 (MANE Select); coding-DNA position 733, G replaced by T.
Protein change: p.Ala245Ser; replaces alanine 245 with serine.
Molecular consequence: missense variant.
Genome position (GRCh38, 1-based): chr1:234,608,762, C>A on the plus strand (G>T on the coding strand, the complement: IRF2BP2 is on the minus strand). VCF-style: chr1-234608762-C-A. GRCh37 (hg19) VCF-style: chr1-234744508-C-A.
Other names: c.733G>T, p.Ala245Ser (NM_001077397.1); short protein forms A245S.
Identifiers: ClinVar variation 4726783 (VCV004726783.1).